The following is an entry in ClinVar:

NM_000138.5(FBN1):c.2374_2378del (p.Cys792fs)

Gene: FBN1 (fibrillin 1; minus strand). Cytogenetic location: 15q21.1.
Variant type: Deletion.
Coding change: c.2374_2378del on transcript NM_000138.5 (MANE Select); coding-DNA positions 2374 to 2378, 5 bases deleted (TGCCC; older notation c.2374_2378delTGCCC).
Protein change: p.Cys792fs; shifts the reading frame from cysteine 792.
Molecular consequence: frameshift variant.
Genome position (GRCh38, 1-based): chr15:48,496,141-48,496,145, GGGCA deleted on the plus strand (TGCCC on the coding strand, the reverse complement: FBN1 is on the minus strand); deleting any 5 consecutive bases within chr15:48,496,141-48,496,147 gives the same sequence; the c. name uses the placement nearest the transcript's 3' end. VCF-style (leftmost placement, unchanged base first): chr15-48496140-GGGGCA-G. GRCh37 (hg19) VCF-style: chr15-48788337-GGGGCA-G.
Other names: c.2374_2378del, p.Cys792fs (NM_001406716.1); c.2374_2378del5 (NM_000138.4); short protein forms C792fs.
Identifiers: ClinVar variation 2631129 (VCV002631129.1), dbSNP rs2505573561, ClinGen allele CA2695197284.

ClinVar aggregate classification (germline): Likely pathogenic (1 of 4 stars; one submission).

Conditions:
FBN1-related disorder. Also called: FBN1-related disorders.

Submission:

PreventionGenetics, part of Exact Sciences
Classification: Likely pathogenic for FBN1-related condition. Last evaluated: 2023-08-15. Review status: criteria provided, single submitter. Criteria: ACMG Guidelines, 2015. Collection method: clinical testing. Allele origin: germline.
Comment: The FBN1 c.2374_2378del5 variant is predicted to result in a frameshift and premature protein termination (p.Cys792Glnfs*8). To our knowledge, this variant has not been reported in the literature or in a large population database, indicating this variant is rare. Frameshift variants in FBN1 are expected to be pathogenic. This variant is interpreted as likely pathogenic.